The following is an entry in ClinVar:

ClinVar aggregate classification (germline): Uncertain significance (1 of 4 stars; one submission).

Conditions:
Kabuki syndrome. Also called: Kabuki make-up syndrome; NIIKAWA-KUROKI SYNDROME. Identifiers: Orphanet 2322, MedGen C0796004, MONDO:0016512.

Submission:

Labcorp Genetics (formerly Invitae), Labcorp
Classification: Uncertain significance for Kabuki syndrome. Last evaluated: 2025-02-25. Review status: criteria provided, single submitter. Criteria: Invitae Variant Classification Sherloc (09022015). Collection method: clinical testing. Allele origin: germline.
Comment: This sequence change replaces glycine, which is neutral and non-polar, with glutamic acid, which is acidic and polar, at codon 896 of the KMT2D protein (p.Gly896Glu). This variant is not present in population databases (gnomAD no frequency). This variant has not been reported in the literature in individuals affected with KMT2D-related conditions. ClinVar contains an entry for this variant (Variation ID: 2417141). Invitae Evidence Modeling of protein sequence and biophysical properties (such as structural, functional, and spatial information, amino acid conservation, physicochemical variation, residue mobility, and thermodynamic stability) indicates that this missense variant is not expected to disrupt KMT2D protein function with a negative predictive value of 95%. In summary, the available evidence is currently insufficient to determine the role of this variant in disease. Therefore, it has been classified as a Variant of Uncertain Significance.

NM_003482.4(KMT2D):c.2687G>A (p.Gly896Glu)

Gene: KMT2D (lysine methyltransferase 2D; minus strand). Cytogenetic location: 12q13.12.
Variant type: single nucleotide variant.
Coding change: c.2687G>A on transcript NM_003482.4 (MANE Select); coding-DNA position 2687, G replaced by A.
Protein change: p.Gly896Glu; replaces glycine 896 with glutamic acid.
Molecular consequence: missense variant.
Genome position (GRCh38, 1-based): chr12:49,050,996, C>T on the plus strand (G>A on the coding strand, the complement: KMT2D is on the minus strand). VCF-style: chr12-49050996-C-T. GRCh37 (hg19) VCF-style: chr12-49444779-C-T.
Other names: short protein forms G896E.
Identifiers: ClinVar variation 2417141 (VCV002417141.6), dbSNP rs749011803, ClinGen allele CA236618813.